The following is an entry in ClinVar:

NC_000023.10:g.(?_41446140)_(41530803_?)dup

Gene: CASK (calcium/calmodulin dependent serine protein kinase; minus strand). Cytogenetic location: Xp11.4.
Variant type: Duplication.
Identifiers: ClinVar variation 2424732 (VCV002424732.3).

ClinVar aggregate classification (germline): Uncertain significance (1 of 4 stars; one submission).

Conditions:
Intellectual disability, CASK-related, X-linked. Identifiers: MedGen CN043158.

Submission:

Labcorp Genetics (formerly Invitae), Labcorp
Classification: Uncertain significance for Intellectual disability, CASK-related, X-linked. Last evaluated: 2023-10-13. Review status: criteria provided, single submitter. Criteria: Invitae Variant Classification Sherloc (09022015). Collection method: clinical testing. Allele origin: germline.
Comment: This variant results in a copy number gain of the genomic region encompassing exon(s) 6-14 of the CASK gene. While the exact position of this variant cannot be determined from the data, sub-genic copy number gains are generally in tandem (PMID: 25640679). This variant is predicted to be in-frame, and likely preserves the integrity of the reading frame. This variant has not been reported in the literature in individuals affected with CASK-related conditions. Experimental studies and prediction algorithms are not available or were not evaluated, and the functional significance of this variant is currently unknown. In summary, the available evidence is currently insufficient to determine the role of this variant in disease. Therefore, it has been classified as a Variant of Uncertain Significance.

Literature cited by the submitters: PubMed 25640679.